The following is an entry in ClinVar:

ClinVar aggregate classification (germline): Likely pathogenic (1 of 4 stars; one submission).

Conditions:
Hereditary insensitivity to pain with anhidrosis (CIPA). Also called: INSENSITIVITY TO PAIN, CONGENITAL, WITH ANHIDROSIS; hereditary sensory and autonomic neuropathy type 4; FAMILIAL DYSAUTONOMIA, TYPE II; NEUROPATHY, CONGENITAL SENSORY, WITH ANHIDROSIS; NTRK1 Congenital Insensitivity to Pain with Anhidrosis; HSAN Type IV. Identifiers: Orphanet 642, MedGen C0020074, MONDO:0009746, OMIM 256800.

Submission:

Natera, Inc.
Classification: Likely pathogenic for Hereditary insensitivity to pain with anhidrosis. Last evaluated: 2024-11-14. Review status: criteria provided, single submitter. Criteria: Natera Variant Classification Schema (03/2026). Collection method: clinical testing. Allele origin: germline.
Comment: The c.2267del variant in NTRK1 is a frameshift variant predicted to elongate the protein beyond the termination codon. This variant is expected to result in nonsense mediated decay, truncation, or a dysfunctional protein product. This variant is rare in the general population with a frequency below the threshold expected for the associated phenotype(s). Given the available evidence, this variant is classified as Likely Pathogenic.

NM_002529.4(NTRK1):c.2285del (p.Gly762fs)

Gene: NTRK1 (neurotrophic receptor tyrosine kinase 1; plus strand). Cytogenetic location: 1q23.1.
Variant type: Deletion.
Coding change: c.2285del on transcript NM_002529.4 (MANE Select); coding-DNA position 2285, one base deleted (G; older notation c.2285delG).
Protein change: p.Gly762fs; shifts the reading frame from glycine 762.
Molecular consequence: frameshift variant.
Genome position (GRCh38, 1-based): chr1:156,881,536, G deleted; the last of 4 consecutive G bases (chr1:156,881,533-156,881,536); deleting any one gives the same sequence. VCF-style (leftmost placement, unchanged base first): chr1-156881532-CG-C. GRCh37 (hg19) VCF-style: chr1-156851324-CG-C.
Other names: c.2177del, p.Gly726fs (NM_001007792.1); c.2267delG, p.Gly756Alafs (NM_001012331.1); c.2267del, p.Gly756fs (NM_001012331.2); short protein forms G726fs, G756fs, G762fs.
Identifiers: ClinVar variation 4814515 (VCV004814515.1).